The following is an entry in ClinVar:

NM_001352514.2(HLCS):c.1610C>A (p.Ser537Ter)

Gene: HLCS (holocarboxylase synthetase; minus strand). Cytogenetic location: 21q22.13.
Variant type: single nucleotide variant.
Coding change: c.1610C>A on transcript NM_001352514.2 (MANE Select); coding-DNA position 1610, C replaced by A.
Protein change: p.Ser537Ter; replaces serine 537 with a stop codon.
Molecular consequence: nonsense. On other transcripts: non-coding transcript variant (2).
Genome position (GRCh38, 1-based): chr21:36,930,261, G>T on the plus strand (C>A on the coding strand, the complement: HLCS is on the minus strand). VCF-style: chr21-36930261-G-T. GRCh37 (hg19) VCF-style: chr21-38302561-G-T.
Other names: c.1169C>A, p.Ser390Ter (NM_001352516.2, NM_001352517.1, NM_001352518.2 and 4 more transcripts); short protein forms S390*, S537*.
Identifiers: ClinVar variation 1726507 (VCV001726507.2), dbSNP rs2517546260, ClinGen allele CA409910988.

ClinVar aggregate classification (germline): Likely pathogenic (1 of 4 stars; one submission).

Conditions:
Holocarboxylase synthetase deficiency. Also called: MULTIPLE CARBOXYLASE DEFICIENCY, EARLY ONSET. Identifiers: Orphanet 79242, MedGen C0268581, MONDO:0009666, OMIM 253270.

Submission:

Myriad Genetics, Inc.
Classification: Likely pathogenic for Holocarboxylase synthetase deficiency. Last evaluated: 2021-12-17. Review status: criteria provided, single submitter. Criteria: Myriad Women's Health Autosomal Recessive and X-Linked Classification Criteria (2021). Collection method: clinical testing. Allele origin: unknown.
Comment: NM_000411.6(HLCS):c.1169C>A(S390*) is expected to be pathogenic in the context of holocarboxylase synthetase deficiency. This variant is predicted to lead to an abnormal or absent protein product due to the creation of a premature termination codon in HLCS, a gene where loss-of-function variants are known to be pathogenic. Please note: this variant was assessed in the context of healthy population screening.